The following is an entry in ClinVar:

NM_001134831.2(AHI1):c.3159A>T (p.Ala1053=)

Gene: AHI1 (Abelson helper integration site 1; minus strand). Cytogenetic location: 6q23.3.
Variant type: single nucleotide variant.
Coding change: c.3159A>T on transcript NM_001134831.2 (MANE Select); coding-DNA position 3159, A replaced by T.
Protein change: p.Ala1053=; no amino-acid change (alanine 1053 retained).
Molecular consequence: synonymous variant.
Genome position (GRCh38, 1-based): chr6:135,358,138, T>A on the plus strand (A>T on the coding strand, the complement: AHI1 is on the minus strand). VCF-style: chr6-135358138-T-A. GRCh37 (hg19) VCF-style: chr6-135679276-T-A.
Other names: c.3159A>T (NM_017651.4); c.3159A>T, p.Ala1053= (NM_001134830.2, NM_001350503.2, NM_001350504.2 and 1 more transcripts).
Identifiers: ClinVar variation 287189 (VCV000287189.15), dbSNP rs143485622, ClinGen allele CA4012098.
Genomic context (GRCh38, chr6:135,358,138, plus strand): 5'-TATAATTTTGTACTTTCTTAACACTTTTAACAACGTAGCAACAGACTGTCTTACCGTTGG[T>A]GCTGTATCTACCTGATGGTTACAAGGCTTTCTTTCTATGCTGATAATCCCTGTGGAAAGA-3'
Protein context (NP_001128303.1, residues 1043-1063): RKPCNHQVDT[Ala1053=]PTVVALYDYT

ClinVar aggregate classification (germline): Conflicting classifications of pathogenicity. Review status: criteria provided, conflicting classifications (1 of 4 stars). 3 submissions from 3 submitters: Uncertain significance (1); Likely benign (2). Last evaluated 2026-04-07.

Conditions:
Joubert syndrome. Also called: JOUBERT-BOLTSHAUSER SYNDROME; Familial aplasia of the vermis. Identifiers: Orphanet 475, MedGen C5979921, MONDO:0018772.
AHI1-related disorder. Also called: AHI1-related condition.

Allele frequency attached by ClinVar (database versions not stated): TOPMed below 0.00001; gnomAD 0.00001; ExAC 0.00002; gnomAD exomes 0.00003; 1000 Genomes Project 30x 0.00016; 1000 Genomes Project 0.00020.

Submissions (3):

PreventionGenetics, part of Exact Sciences
Classification: Likely benign for AHI1-related condition. Last evaluated: 2026-04-07. Review status: criteria provided, single submitter. Criteria: ACMG Guidelines, 2015. Collection method: clinical testing. Allele origin: germline.
Comment: This variant is classified as likely benign based on ACMG/AMP sequence variant interpretation guidelines (Richards et al. 2015 PMID: 25741868, with internal and published modifications).

Labcorp Genetics (formerly Invitae), Labcorp
Classification: Likely benign for Joubert syndrome. Last evaluated: 2023-11-17. Review status: criteria provided, single submitter. Criteria: Invitae Variant Classification Sherloc (09022015). Collection method: clinical testing. Allele origin: germline.

Eurofins Ntd Llc (ga)
Classification: Uncertain significance. Last evaluated: 2016-04-26. Review status: criteria provided, single submitter. Criteria: EGL Classification Definitions 2015. Collection method: clinical testing. Allele origin: germline. Observed: 2 variant alleles, 2 heterozygotes.